The following is an entry in ClinVar:

NM_000038.6(APC):c.2345A>G (p.Lys782Arg)

Gene: APC (APC regulator of Wnt signaling pathway; plus strand). Cytogenetic location: 5q22.2.
Variant type: single nucleotide variant.
Coding change: c.2345A>G on transcript NM_000038.6 (MANE Select); coding-DNA position 2345, A replaced by G.
Protein change: p.Lys782Arg; replaces lysine 782 with arginine.
Molecular consequence: missense variant.
Genome position (GRCh38, 1-based): chr5:112,837,939, A>G. VCF-style: chr5-112837939-A-G. GRCh37 (hg19) VCF-style: chr5-112173636-A-G.
Other names: c.2345A>G, p.Lys782Arg (NM_001127510.3, NM_001354895.2); c.2291A>G, p.Lys764Arg (NM_001127511.3); c.2399A>G, p.Lys800Arg (NM_001354896.2); c.2375A>G, p.Lys792Arg (NM_001354897.2); c.2270A>G, p.Lys757Arg (NM_001354898.2); c.2261A>G, p.Lys754Arg (NM_001354899.2); c.2222A>G, p.Lys741Arg (NM_001354900.2); c.2168A>G, p.Lys723Arg (NM_001354901.2); and 5 more; short protein forms K499R, K622R, K656R, K723R, K792R, K691R, K764R, K800R.
Identifiers: ClinVar variation 938848 (VCV000938848.12), dbSNP rs1554084082, ClinGen allele CA16026480.

ClinVar aggregate classification (germline): Uncertain significance. Review status: criteria provided, multiple submitters, no conflicts (2 of 4 stars). 2 submissions from 2 submitters: Uncertain significance (2). Last evaluated 2024-10-18.

Conditions:
Hereditary cancer-predisposing syndrome. Also called: Hereditary neoplastic syndrome; Neoplastic Syndromes, Hereditary; Tumor predisposition; Hereditary Cancer Syndrome. Identifiers: Orphanet 140162, MedGen C0027672, MeSH D009386, MONDO:0015356.
Familial adenomatous polyposis 1 (FAP1). Also called: FAMILIAL ADENOMATOUS POLYPOSIS 1, ATTENUATED; POLYPOSIS, ADENOMATOUS INTESTINAL. Identifiers: MedGen C2713442, MONDO:0021056, OMIM 175100. Disease mechanism: loss of function.

Allele frequency attached by ClinVar (database versions not stated): gnomAD exomes below 0.00001.
gnomAD v4.1: 1 of 1,614,122 alleles (0.000062%); highest among the groups gnomAD compares: Non-Finnish European, 0.000085%; no homozygotes.

Submissions (2):

Ambry Genetics
Classification: Uncertain significance for Hereditary cancer-predisposing syndrome. Last evaluated: 2024-10-18. Review status: criteria provided, single submitter. Criteria: Ambry Variant Classification Scheme 2023. Collection method: clinical testing. Allele origin: germline.
Comment: The p.K782R variant (also known as c.2345A>G), located in coding exon 15 of the APC gene, results from an A to G substitution at nucleotide position 2345. The lysine at codon 782 is replaced by arginine, an amino acid with highly similar properties. This amino acid position is conserved. In addition, in silico predictors for this gene do not accurately predict pathogenicity. Based on the available evidence, the clinical significance of this variant remains unclear.

Labcorp Genetics (formerly Invitae), Labcorp
Classification: Uncertain significance for Familial adenomatous polyposis 1. Last evaluated: 2022-08-22. Review status: criteria provided, single submitter. Criteria: Invitae Variant Classification Sherloc (09022015). Collection method: clinical testing. Allele origin: germline.
Comment: This variant is not present in population databases (gnomAD no frequency). In summary, the available evidence is currently insufficient to determine the role of this variant in disease. Therefore, it has been classified as a Variant of Uncertain Significance. Algorithms developed to predict the effect of missense changes on protein structure and function (SIFT, PolyPhen-2, Align-GVGD) all suggest that this variant is likely to be tolerated. ClinVar contains an entry for this variant (Variation ID: 938848). This variant has not been reported in the literature in individuals affected with APC-related conditions. This sequence change replaces lysine, which is basic and polar, with arginine, which is basic and polar, at codon 782 of the APC protein (p.Lys782Arg).